The following is an entry in ClinVar:

NM_004655.4(AXIN2):c.924G>C (p.Thr308=)

Gene: AXIN2 (axin 2; minus strand). Cytogenetic location: 17q24.1.
Variant type: single nucleotide variant.
Coding change: c.924G>C on transcript NM_004655.4 (MANE Select); coding-DNA position 924, G replaced by C.
Protein change: p.Thr308=; no amino-acid change (threonine 308 retained).
Molecular consequence: synonymous variant.
Genome position (GRCh38, 1-based): chr17:65,549,552, C>G on the plus strand (G>C on the coding strand, the complement: AXIN2 is on the minus strand). VCF-style: chr17-65549552-C-G. GRCh37 (hg19) VCF-style: chr17-63545670-C-G.
Other names: c.924G>C, p.Thr308= (NM_001363813.1).
Identifiers: ClinVar variation 1766324 (VCV001766324.6), dbSNP rs376829389, ClinGen allele CA501476686.

ClinVar aggregate classification (germline): Benign/Likely benign. Review status: criteria provided, multiple submitters, no conflicts (2 of 4 stars). 3 submissions from 3 submitters: Benign (1); Likely benign (2). Last evaluated 2024-06-28.

Conditions:
Hereditary cancer-predisposing syndrome. Also called: Hereditary Cancer Syndrome; Hereditary neoplastic syndrome; Neoplastic Syndromes, Hereditary; Tumor predisposition. Identifiers: Orphanet 140162, MedGen C0027672, MeSH D009386, MONDO:0015356.
Oligodontia-cancer predisposition syndrome. Also called: TOOTH AGENESIS-COLORECTAL CANCER SYNDROME. Identifiers: Orphanet 300576, MedGen C1837750, MONDO:0012075, OMIM 608615. Disease mechanism: loss of function.

gnomAD v4.1: 1 of 1,611,598 alleles (0.000062%); highest among the groups gnomAD compares: African/African-American, 0.0013%; no homozygotes.

Submissions (3):

Myriad Genetics, Inc.
Classification: Benign for Oligodontia-cancer predisposition syndrome. Last evaluated: 2024-06-28. Review status: criteria provided, single submitter. Criteria: Myriad Autosomal Dominant, Autosomal Recessive and X-Linked Classification Criteria (2023). Collection method: clinical testing. Allele origin: unknown.
Comment: This variant is considered benign. This variant is a silent/synonymous amino acid change and it is not expected to impact splicing.

Labcorp Genetics (formerly Invitae), Labcorp
Classification: Likely benign for Oligodontia-cancer predisposition syndrome. Last evaluated: 2022-12-25. Review status: criteria provided, single submitter. Criteria: Invitae Variant Classification Sherloc (09022015). Collection method: clinical testing. Allele origin: germline.

Ambry Genetics
Classification: Likely benign for Hereditary cancer-predisposing syndrome. Last evaluated: 2019-10-07. Review status: criteria provided, single submitter. Criteria: Ambry Variant Classification Scheme 2023. Collection method: clinical testing. Allele origin: germline.